The following is an entry in ClinVar:

NM_170707.4(LMNA):c.643C>T (p.Leu215=)

Gene: LMNA (lamin A/C; plus strand). Cytogenetic location: 1q22.
Variant type: single nucleotide variant.
Coding change: c.643C>T on transcript NM_170707.4 (MANE Select); coding-DNA position 643, C replaced by T.
Protein change: p.Leu215=; no amino-acid change (leucine 215 retained).
Molecular consequence: synonymous variant.
Genome position (GRCh38, 1-based): chr1:156,134,808, C>T. VCF-style: chr1-156134808-C-T. GRCh37 (hg19) VCF-style: chr1-156104599-C-T.
Other names: c.643C>T, p.Leu215= (NM_170708.4, NM_001282625.2, NM_001282626.2 and 1 more transcripts); c.307C>T, p.Leu103= (NM_001257374.3); c.400C>T, p.Leu134= (NM_001282624.2).
Identifiers: ClinVar variation 197255 (VCV000197255.63), dbSNP rs397517905, ClinGen allele CA018363.

ClinVar aggregate classification (germline): Conflicting classifications of pathogenicity. Review status: criteria provided, conflicting classifications (1 of 4 stars). 7 submissions from 7 submitters: Uncertain significance (2); Likely benign (5). Last evaluated 2026-01-18.

Conditions:
Cardiovascular phenotype. Identifiers: MedGen CN230736.
Charcot-Marie-Tooth disease type 2. Also called: Charcot-Marie-Tooth type 2. Identifiers: Orphanet 64746, MedGen C0270914, MONDO:0018993.
Cardiomyopathy (CMYO). Also called: Cardiomyopathies. Identifiers: Orphanet 167848, MedGen C0878544, MONDO:0004994, HP:0001638. Inheritance: Various modes of inheritance.
Primary dilated cardiomyopathy (DCM). Also called: Dilated Cardiomyopathy. Identifiers: Orphanet 217604, MedGen C0007193, MeSH D002311, MONDO:0005021, HP:0001644. Inheritance: Various modes of inheritance.

Allele frequency attached by ClinVar (database versions not stated): gnomAD 0.00001; ExAC 0.00002; gnomAD exomes 0.00002; TOPMed 0.00002.

Submissions (7):

Labcorp Genetics (formerly Invitae), Labcorp
Classification: Likely benign for Charcot-Marie-Tooth disease type 2. Last evaluated: 2026-01-18. Review status: criteria provided, single submitter. Criteria: Invitae Variant Classification Sherloc (09022015). Collection method: clinical testing. Allele origin: germline.

Blueprint Genetics
Classification: Likely benign. Last evaluated: 2024-06-25. Review status: criteria provided, single submitter. Criteria: ACMG Guidelines, 2015. Collection method: clinical testing. Allele origin: germline.

All of Us Research Program, National Institutes of Health
Classification: Likely benign for Primary dilated cardiomyopathy. Last evaluated: 2024-05-14. Review status: criteria provided, single submitter. Criteria: ACMG Guidelines, 2015. Collection method: clinical testing. Allele origin: germline. Inheritance: Autosomal dominant inheritance. Observed: 5 variant alleles, 5 heterozygotes.
Comment: This study involves interpretation of variants in research participants for the purpose of population health screening. Participant phenotype was not available at the time of variant classification. Additional details can be found in publication PMID: 35346344, PMCID: PMC8962531

Color Diagnostics, LLC DBA Color Health
Classification: Likely benign for Cardiomyopathy. Last evaluated: 2021-07-06. Review status: criteria provided, single submitter. Criteria: ACMG Guidelines, 2015. Collection method: clinical testing. Allele origin: germline.

Ambry Genetics
Classification: Likely benign for Cardiovascular phenotype. Last evaluated: 2019-07-11. Review status: criteria provided, single submitter. Criteria: Ambry Variant Classification Scheme 2023. Collection method: clinical testing. Allele origin: germline.

CeGaT Center for Human Genetics Tuebingen
Classification: Uncertain significance. Last evaluated: 2017-08-01. Review status: criteria provided, single submitter. Criteria: CeGaT Center For Human Genetics Tuebingen Variant Classification Criteria Version 2. Collection method: clinical testing. Allele origin: germline. Affected: yes. Observed: 1 variant allele.

Eurofins Ntd Llc (ga)
Classification: Uncertain significance. Last evaluated: 2014-12-31. Review status: criteria provided, single submitter. Criteria: EGL Classification Definitions 2015. Collection method: clinical testing. Allele origin: germline. Observed: 2 variant alleles, 2 heterozygotes.